The following is an entry in ClinVar:

ClinVar aggregate classification (germline): Pathogenic. Review status: criteria provided, single submitter (1 of 4 stars). 3 submissions from 1 submitter: Pathogenic (1). 2 of the submissions do not count toward it. Last evaluated 2024-03-25.

Conditions:
Short-rib thoracic dysplasia 6 with or without polydactyly (SRTD6). Also called: Majewski Syndrome; SHORT-RIB THORACIC DYSPLASIA 6 WITHOUT POLYDACTYLY; SHORT RIB-POLYDACTYLY SYNDROME, TYPE IIA; SHORT-RIB THORACIC DYSPLASIA 6 WITH POLYDACTYLY; POLYDACTYLY WITH NEONATAL CHONDRODYSTROPHY, TYPE II. Identifiers: MedGen C0024507, MONDO:0009894, OMIM 263520.
Asphyxiating thoracic dystrophy 3. Also called: SHORT-RIB THORACIC DYSPLASIA 3 WITH OR WITHOUT POLYDACTYLY; Short rib polydactyly syndrome 2B; POLYDACTYLY WITH NEONATAL CHONDRODYSTROPHY, TYPE I; Saldino-Noonan Syndrome; SHORT-RIB THORACIC DYSPLASIA 3/6 WITH POLYDACTYLY, DIGENIC. Identifiers: Orphanet 474, Orphanet 93269, Orphanet 93270, Orphanet 93271, MedGen C0036069, MONDO:0013127, OMIM 613091.

Submissions (3):

Genomic Medicine Center of Excellence, King Faisal Specialist Hospital and Research Centre
Classification: Pathogenic for Short-rib thoracic dysplasia 6 with or without polydactyly. Last evaluated: 2024-03-25. Review status: criteria provided, single submitter. Criteria: ACMG Guidelines, 2015. Collection method: research. Allele origin: germline.

Genomic Medicine Center of Excellence, King Faisal Specialist Hospital and Research Centre
Classification: Likely pathogenic. Review status: flagged submission. Criteria: ACMG Guidelines, 2015. Collection method: research. Allele origin: germline. Affected: yes. Not counted in ClinVar's aggregate classification.
ClinVar note: Reason: This record appears to be redundant with a more recent record from the same submitter.
ClinVar note: Notes: SCV000221716 appears to be redundant with SCV000322795.

Genomic Medicine Center of Excellence, King Faisal Specialist Hospital and Research Centre
Classification: Pathogenic for Short-rib thoracic dysplasia. Review status: flagged submission. Collection method: research. Allele origin: germline. Affected: yes. Observed: 1 homozygote. Not counted in ClinVar's aggregate classification.
ClinVar note: Reason: This record appears to be redundant with a more recent record from the same submitter.
ClinVar note: Notes: SCV000322795 appears to be redundant with SCV004805296.

NM_001199397.3(NEK1):c.1690_1691del (p.Met564fs)

Gene: NEK1 (NIMA related kinase 1; minus strand). Cytogenetic location: 4q33.
Variant type: Deletion.
Coding change: c.1690_1691del on transcript NM_001199397.3 (MANE Select); coding-DNA positions 1690 to 1691, 2 bases deleted (AT; older notation c.1690_1691delAT).
Protein change: p.Met564fs; shifts the reading frame from methionine 564.
Molecular consequence: frameshift variant. On other transcripts: intron variant (6).
Genome position (GRCh38, 1-based): chr4:169,508,827-169,508,828, AT deleted on the plus strand (AT on the coding strand, the reverse complement: NEK1 is on the minus strand); deleting any 2 consecutive bases within chr4:169,508,827-169,508,829 gives the same sequence; the c. name uses the placement nearest the transcript's 3' end. VCF-style (leftmost placement, unchanged base first): chr4-169508826-CAT-C. GRCh37 (hg19) VCF-style: chr4-170429977-CAT-C.
Other names: c.1558_1559del, p.Met520fs (NM_001199398.3); c.1690_1691del, p.Met564fs (NM_001374418.1); c.1540-497_1540-496del (NM_001374421.1); c.1615-497_1615-496del (NM_001374420.1); c.1459-497_1459-496del (NM_001199399.3); c.1666-497_1666-496del (NM_001374419.1, NM_012224.4); c.1534-497_1534-496del (NM_001199400.3); c.1690_1691del (NM_001199397.1); short protein forms M520fs, M564fs.
Identifiers: ClinVar variation 191325 (VCV000191325.3), dbSNP rs786205645, ClinGen allele CA236440.